The following is an entry in ClinVar:

NM_001371928.1(AHDC1):c.3954C>T (p.Ser1318=)

Gene: AHDC1 (AT-hook DNA binding motif containing 1; minus strand). Cytogenetic location: 1p36.11.
Variant type: single nucleotide variant.
Coding change: c.3954C>T on transcript NM_001371928.1 (MANE Select); coding-DNA position 3954, C replaced by T.
Protein change: p.Ser1318=; no amino-acid change (serine 1318 retained).
Molecular consequence: synonymous variant.
Genome position (GRCh38, 1-based): chr1:27,548,162, G>A on the plus strand (C>T on the coding strand, the complement: AHDC1 is on the minus strand). VCF-style: chr1-27548162-G-A. GRCh37 (hg19) VCF-style: chr1-27874673-G-A.
Other names: c.3954C>T, p.Ser1318= (NM_001029882.3); c.-90C>T (NM_015699.1).
Identifiers: ClinVar variation 1907590 (VCV001907590.7), dbSNP rs765404773, ClinGen allele CA715458.

ClinVar aggregate classification (germline): Likely benign. Review status: criteria provided, multiple submitters, no conflicts (2 of 4 stars). 2 submissions from 2 submitters: Likely benign (2). Last evaluated 2026-04-01.

Allele frequency attached by ClinVar (database versions not stated): TOPMed 0.00002; gnomAD 0.00003; gnomAD exomes 0.00006; ExAC 0.00015.
gnomAD v4.1: 82 of 1,613,686 alleles (0.0051%); highest among the groups gnomAD compares: Admixed American, 0.012%; 1 homozygote.

Submissions (2):

CeGaT Center for Human Genetics Tuebingen
Classification: Likely benign. Last evaluated: 2026-04-01. Review status: criteria provided, single submitter. Criteria: CeGaT Center For Human Genetics Tuebingen Variant Classification Criteria Version 2. Collection method: clinical testing. Allele origin: germline. Affected: yes. Observed: 1 variant allele.
Comment: AHDC1: BP4, BP7

Labcorp Genetics (formerly Invitae), Labcorp
Classification: Likely benign. Last evaluated: 2025-07-30. Review status: criteria provided, single submitter. Criteria: Invitae Variant Classification Sherloc (09022015). Collection method: clinical testing. Allele origin: germline.